The following is an entry in ClinVar:

NM_004415.4(DSP):c.4812G>A (p.Ser1604=)

Gene: DSP (desmoplakin; plus strand). Cytogenetic location: 6p24.3.
Variant type: single nucleotide variant.
Coding change: c.4812G>A on transcript NM_004415.4 (MANE Select); coding-DNA position 4812, G replaced by A.
Protein change: p.Ser1604=; no amino-acid change (serine 1604 retained).
Molecular consequence: synonymous variant. On other transcripts: intron variant (2).
Genome position (GRCh38, 1-based): chr6:7,581,002, G>A. VCF-style: chr6-7581002-G-A. GRCh37 (hg19) VCF-style: chr6-7581235-G-A.
Other names: c.4050+762G>A (NM_001319034.2); c.3582+1230G>A (NM_001008844.3); c.4812G>A (NM_004415.2).
Identifiers: ClinVar variation 2417641 (VCV002417641.10), dbSNP rs778729982, ClinGen allele CA043006.

ClinVar aggregate classification (germline): Likely benign. Review status: criteria provided, multiple submitters, no conflicts (2 of 4 stars). 5 submissions from 5 submitters: Likely benign (5). Last evaluated 2024-01-22.

Conditions:
Cardiovascular phenotype. Identifiers: MedGen CN230736.
Arrhythmogenic cardiomyopathy with wooly hair and keratoderma. Also called: Arrhythmogenic cardiomyopathy with woolly hair and keratoderma; PALMOPLANTAR KERATODERMA WITH LEFT VENTRICULAR CARDIOMYOPATHY AND WOOLLY HAIR; Carvajal syndrome; Dilated cardiomyopathy with woolly hair and keratoderma. Identifiers: Orphanet 65282, MedGen C1854063, MONDO:0011581, OMIM 605676.
Cardiomyopathy (CMYO). Also called: Cardiomyopathies. Identifiers: Orphanet 167848, MedGen C0878544, MONDO:0004994, HP:0001638. Inheritance: Various modes of inheritance.
Arrhythmogenic right ventricular dysplasia 8 (ARVD8). Also called: ARRHYTHMOGENIC RIGHT VENTRICULAR DYSPLASIA, FAMILIAL, 8; ARRHYTHMOGENIC RIGHT VENTRICULAR CARDIOMYOPATHY 8; Arrhythmogenic Right Ventricular Dysplasia/Cardiomyopathy 8. Identifiers: MedGen C1843896, MONDO:0011831, OMIM 607450.

Allele frequency attached by ClinVar (database versions not stated): gnomAD exomes below 0.00001; ExAC 0.00001; gnomAD 0.00001.
gnomAD v4.1: 3 of 1,613,864 alleles (0.00019%); highest among the groups gnomAD compares: Non-Finnish European, 0.00017%; no homozygotes.

Submissions (5):

Ambry Genetics
Classification: Likely benign for Cardiovascular phenotype. Last evaluated: 2024-01-22. Review status: criteria provided, single submitter. Criteria: Ambry Variant Classification Scheme 2023. Collection method: clinical testing. Allele origin: germline.

Labcorp Genetics (formerly Invitae), Labcorp
Classification: Likely benign for Arrhythmogenic cardiomyopathy with wooly hair and keratoderma; Arrhythmogenic right ventricular dysplasia 8. Last evaluated: 2023-11-29. Review status: criteria provided, single submitter. Criteria: Invitae Variant Classification Sherloc (09022015). Collection method: clinical testing. Allele origin: germline.

Blueprint Genetics
Classification: Likely benign. Last evaluated: 2023-11-08. Review status: criteria provided, single submitter. Criteria: ACMG Guidelines, 2015. Collection method: clinical testing. Allele origin: germline.

All of Us Research Program, National Institutes of Health
Classification: Likely benign for Arrhythmogenic cardiomyopathy with wooly hair and keratoderma. Last evaluated: 2023-06-26. Review status: criteria provided, single submitter. Criteria: ACMG Guidelines, 2015. Collection method: clinical testing. Allele origin: germline. Inheritance: Autosomal dominant inheritance. Observed: 1 variant allele, 1 heterozygote.
Comment: This study involves interpretation of variants in research participants for the purpose of population health screening. Participant phenotype was not available at the time of variant classification. Additional details can be found in publication PMID: 35346344, PMCID: PMC8962531

Color Diagnostics, LLC DBA Color Health
Classification: Likely benign for Cardiomyopathy. Last evaluated: 2022-03-23. Review status: criteria provided, single submitter. Criteria: ACMG Guidelines, 2015. Collection method: clinical testing. Allele origin: germline.